The following is an entry in ClinVar:

ClinVar aggregate classification (germline): Likely benign. Review status: criteria provided, multiple submitters, no conflicts (2 of 4 stars). 3 submissions from 3 submitters: Likely benign (3). Last evaluated 2025-09-07.

Conditions:
Familial thoracic aortic aneurysm and aortic dissection (TAAD). Also called: Thoracic aortic aneurysms and dissections. Identifiers: Orphanet 91387, MedGen C4707243, MONDO:0019625.
Melnick-Needles syndrome (MNS). Also called: MELNICK-NEEDLES OSTEODYSPLASTY; OSTEODYSPLASTY OF MELNICK AND NEEDLES; Melnick-Needles Syndrome (FLNA-MNS). Identifiers: Orphanet 2484, MedGen C0025237, MONDO:0010650, OMIM 309350.
Frontometaphyseal dysplasia (FMD1). Identifiers: Orphanet 1826, MedGen C0265293, MONDO:0015942.
Heterotopia, periventricular, X-linked dominant (PVNH1). Also called: PERIVENTRICULAR NODULAR HETEROTOPIA 1; X-linked periventricular heterotopia; PERIVENTRICULAR NODULAR HETEROTOPIA 4; HETEROTOPIA, PERIVENTRICULAR, 1. Identifiers: Orphanet 2149, Orphanet 82004, MedGen C1848213, MONDO:0010233, OMIM 300049.
Oto-palato-digital syndrome, type II (OPD2). Also called: FACIOPALATOOSSEOUS SYNDROME; OPD II SYNDROME; Otopalatodigital Syndrome, Type II; Otopalatodigital Syndrome Type 2 (FLNA-OPD2). Identifiers: Orphanet 669, Orphanet 90652, MedGen C1844696, MONDO:0010571, OMIM 304120.

gnomAD v4.1: 3 of 1,211,828 alleles (0.00025%); highest among the groups gnomAD compares: Non-Finnish European, 0.00033%; no homozygotes.

Submissions (3):

Ambry Genetics
Classification: Likely benign for Familial thoracic aortic aneurysm and aortic dissection. Last evaluated: 2025-09-07. Review status: criteria provided, single submitter. Criteria: Ambry Variant Classification Scheme 2023. Collection method: clinical testing. Allele origin: germline.

Labcorp Genetics (formerly Invitae), Labcorp
Classification: Likely benign for Oto-palato-digital syndrome, type II; Heterotopia, periventricular, X-linked dominant; Frontometaphyseal dysplasia; Melnick-Needles syndrome. Last evaluated: 2025-06-15. Review status: criteria provided, single submitter. Criteria: Invitae Variant Classification Sherloc (09022015). Collection method: clinical testing. Allele origin: germline.

Mayo Clinic Laboratories, Mayo Clinic
Classification: Likely benign. Last evaluated: 2025-04-01. Review status: criteria provided, single submitter. Criteria: ACMG Guidelines, 2015. Collection method: clinical testing. Allele origin: germline. Observed: 1 variant allele.
Comment: BP4, BP7, PM2_supporting

NM_001110556.2(FLNA):c.6015C>A (p.Gly2005=)

Gene: FLNA (filamin A; minus strand). Cytogenetic location: Xq28.
Variant type: single nucleotide variant.
Coding change: c.6015C>A on transcript NM_001110556.2 (MANE Select); coding-DNA position 6015, C replaced by A.
Protein change: p.Gly2005=; no amino-acid change (glycine 2005 retained).
Molecular consequence: synonymous variant.
Genome position (GRCh38, 1-based): chrX:154,353,303, G>T on the plus strand (C>A on the coding strand, the complement: FLNA is on the minus strand). VCF-style: chrX-154353303-G-T. GRCh37 (hg19) VCF-style: chrX-153581671-G-T.
Other names: p.Gly1997=; c.5991C>A, p.Gly1997= (NM_001456.4); c.5991C>A (NM_001456.3).
Identifiers: ClinVar variation 3761049 (VCV003761049.4).
Genomic context (GRCh38, chrX:154,353,303, plus strand): 5'-GCTCCCCACAGGCTGCCTCCTTTCTGAACCCCCTGGACCCTTCAGCCGCTTACCCACGTG[G>T]CCATTACGCAGCCGCTTCAGCAAACAGGGCTCCTCCCGGCCCGAGGGCGGGACCACAGTG-3'
Protein context (NP_001104026.1, residues 1995-2015): EPCLLKRLRN[Gly2005=]HVGISFVPKE